The following is an entry in ClinVar:

ClinVar aggregate classification (germline): Benign (0 of 4 stars; one submission).

Conditions:
CR1-related disorder. Also called: CR1-related condition.

Allele frequency attached by ClinVar (database versions not stated): gnomAD exomes 0.00713; ExAC 0.02141; gnomAD 0.06818; ESP Exome Variant Server 0.07043; 1000 Genomes Project 0.07548; TOPMed 0.07724; 1000 Genomes Project 30x 0.07995.
gnomAD v4.1: 21,339 of 1,613,850 alleles (1.3%); highest among the groups gnomAD compares: African/African-American, 24%; 2,208 homozygotes.

Submission:

PreventionGenetics, part of Exact Sciences
Classification: Benign for CR1-related condition. Last evaluated: 2019-11-26. Review status: no assertion criteria provided. Collection method: clinical testing. Allele origin: germline.
Comment: This variant is classified as benign based on ACMG/AMP sequence variant interpretation guidelines (Richards et al. 2015 PMID: 25741868, with internal and published modifications).

NM_000651.6(CR1):c.6118A>G (p.Lys2040Glu)

Gene: CR1 (complement C3b/C4b receptor 1 (Knops blood group); plus strand). Cytogenetic location: 1q32.2.
Variant type: single nucleotide variant.
Coding change: c.6118A>G on transcript NM_000651.6 (MANE Select); coding-DNA position 6118, A replaced by G.
Protein change: p.Lys2040Glu; replaces lysine 2040 with glutamic acid.
Molecular consequence: missense variant.
Genome position (GRCh38, 1-based): chr1:207,609,511, A>G. VCF-style: chr1-207609511-A-G. GRCh37 (hg19) VCF-style: chr1-207782856-A-G.
Other names: c.4768A>G, p.Lys1590Glu (NM_000573.4, NM_001381851.1); short protein forms K1590E, K2040E.
Identifiers: ClinVar variation 3056450 (VCV003056450.2), dbSNP rs17047660, ClinGen allele CA1370357.